The following is an entry in ClinVar:

NM_024408.4(NOTCH2):c.2340G>A (p.Arg780=)

Gene: NOTCH2 (notch receptor 2; minus strand). Cytogenetic location: 1p12.
Variant type: single nucleotide variant.
Coding change: c.2340G>A on transcript NM_024408.4 (MANE Select); coding-DNA position 2340, G replaced by A.
Protein change: p.Arg780=; no amino-acid change (arginine 780 retained).
Molecular consequence: synonymous variant.
Genome position (GRCh38, 1-based): chr1:119,953,568, C>T on the plus strand (G>A on the coding strand, the complement: NOTCH2 is on the minus strand). VCF-style: chr1-119953568-C-T. GRCh37 (hg19) VCF-style: chr1-120496191-C-T.
Other names: c.2340G>A, p.Arg780= (NM_001200001.2).
Identifiers: ClinVar variation 4983183 (VCV004983183.1).
Genomic context (GRCh38, chr1:119,953,568, plus strand): 5'-AGAGCAGACGCAGAAAGATGTACTTTTGTTTTCACCTTTAAAGCCCTTCTTGCAAGTACA[C>T]CTGTATCCATTCACCAGATTGTCACAAGTTCCTCCATTCTGGCATGGATTCGAAAGGCAT-3'
Protein context (NP_077719.2, residues 770-790): GTCDNLVNGY[Arg780=]CTCKKGFKGY

ClinVar aggregate classification (germline): Likely benign (1 of 4 stars; one submission).

Conditions:
NOTCH2-related disorder. Also called: NOTCH2-related condition.

gnomAD v4.1: 5 of 1,614,066 alleles (0.00031%); highest among the groups gnomAD compares: South Asian, 0.0055%; no homozygotes.

Submission:

PreventionGenetics, part of Exact Sciences
Classification: Likely benign for NOTCH2-related condition. Last evaluated: 2026-04-14. Review status: criteria provided, single submitter. Criteria: ACMG Guidelines, 2015. Collection method: clinical testing. Allele origin: germline.
Comment: This variant is classified as likely benign based on ACMG/AMP sequence variant interpretation guidelines (Richards et al. 2015 PMID: 25741868, with internal and published modifications).